The following is an entry in ClinVar:

NM_014714.4(IFT140):c.1652+4A>G

Gene: IFT140 (intraflagellar transport 140; minus strand). Cytogenetic location: 16p13.3.
Variant type: single nucleotide variant.
Coding change: c.1652+4A>G on transcript NM_014714.4 (MANE Select); 4 bases into the intron after coding-DNA position 1652, A replaced by G.
Molecular consequence: intron variant.
Genome position (GRCh38, 1-based): chr16:1,571,403, T>C on the plus strand (A>G on the coding strand, the complement: IFT140 is on the minus strand). VCF-style: chr16-1571403-T-C. GRCh37 (hg19) VCF-style: chr16-1621404-T-C.
Identifiers: ClinVar variation 2095581 (VCV002095581.4), dbSNP rs1233475487, ClinGen allele CA620337342.
Genomic context (GRCh38, chr16:1,571,403, plus strand): 5'-CCATCACACTGTCTCCTGACTGACTAAAAAAATGTTCACACTTCTATTTGGAAAAAAAAT[T>C]TACCTTCGGGAAAGATCAAAGCTTTTAAAGTGAGCCAAGTCTGTCCCTACAACCAGGAAA-3'

ClinVar aggregate classification (germline): Uncertain significance (1 of 4 stars; one submission).

Conditions:
Saldino-Mainzer syndrome (SRTD9). Also called: CONORENAL SYNDROME; Renal dysplasia, retinal pigmentary dystrophy, cerebellar ataxia and skeletal dysplasia; SHORT-RIB THORACIC DYSPLASIA 9 WITHOUT POLYDACTYLY; short-rib thoracic dysplasia 9 with or without polydactyly. Identifiers: Orphanet 140969, MedGen C1849437, MONDO:0009964, OMIM 266920.

Allele frequency attached by ClinVar (database versions not stated): gnomAD exomes below 0.00001.
gnomAD v4.1: 6 of 1,608,636 alleles (0.00037%); highest among the groups gnomAD compares: East Asian, 0.0022%; no homozygotes.

Submission:

Labcorp Genetics (formerly Invitae), Labcorp
Classification: Uncertain significance for Saldino-Mainzer syndrome. Last evaluated: 2025-04-09. Review status: criteria provided, single submitter. Criteria: Invitae Variant Classification Sherloc (09022015). Collection method: clinical testing. Allele origin: germline.
Comment: This sequence change falls in intron 14 of the IFT140 gene. It does not directly change the encoded amino acid sequence of the IFT140 protein. It affects a nucleotide within the consensus splice site. This variant is present in population databases (no rsID available, gnomAD 0.006%). This variant has not been reported in the literature in individuals affected with IFT140-related conditions. ClinVar contains an entry for this variant (Variation ID: 2095581). Variants that disrupt the consensus splice site are a relatively common cause of aberrant splicing (PMID: 17576681, 9536098). Algorithms developed to predict the effect of sequence changes on RNA splicing suggest that this variant may disrupt the consensus splice site. In summary, the available evidence is currently insufficient to determine the role of this variant in disease. Therefore, it has been classified as a Variant of Uncertain Significance.

Literature cited by the submitters: PubMed 17576681; PubMed 9536098.